The following is an entry in ClinVar:

NM_000535.7(PMS2):c.1169C>G (p.Ala390Gly)

Gene: PMS2 (PMS1 homolog 2, mismatch repair system component; minus strand). Cytogenetic location: 7p22.1.
Variant type: single nucleotide variant.
Coding change: c.1169C>G on transcript NM_000535.7 (MANE Select); coding-DNA position 1169, C replaced by G.
Protein change: p.Ala390Gly; replaces alanine 390 with glycine.
Molecular consequence: missense variant. On other transcripts: non-coding transcript variant (1).
Genome position (GRCh38, 1-based): chr7:5,987,596, G>C on the plus strand (C>G on the coding strand, the complement: PMS2 is on the minus strand). VCF-style: chr7-5987596-G-C. GRCh37 (hg19) VCF-style: chr7-6027227-G-C.
Other names: c.764C>G, p.Ala255Gly (NM_001322003.2, NM_001322004.2, NM_001322005.2 and 1 more transcripts); c.1013C>G, p.Ala338Gly (NM_001322006.2); c.851C>G, p.Ala284Gly (NM_001322007.2, NM_001322008.2); c.608C>G, p.Ala203Gly (NM_001322010.2); c.236C>G, p.Ala79Gly (NM_001322011.2, NM_001322012.2); c.596C>G, p.Ala199Gly (NM_001322013.2); c.1169C>G, p.Ala390Gly (NM_001322014.2); c.860C>G, p.Ala287Gly (NM_001322015.2); short protein forms A203G, A284G, A287G, A338G, A255G, A199G, A390G, A79G.
Identifiers: ClinVar variation 1355905 (VCV001355905.8), dbSNP rs587780039, ClinGen allele CA366742649.

ClinVar aggregate classification (germline): Uncertain significance (1 of 4 stars; one submission).

Conditions:
Hereditary nonpolyposis colorectal neoplasms. Identifiers: MedGen C0009405, MeSH D003123.

Submission:

Labcorp Genetics (formerly Invitae), Labcorp
Classification: Uncertain significance for Hereditary nonpolyposis colorectal neoplasms. Last evaluated: 2021-03-31. Review status: criteria provided, single submitter. Criteria: Invitae Variant Classification Sherloc (09022015). Collection method: clinical testing. Allele origin: germline.
Comment: This sequence change replaces alanine with glycine at codon 390 of the PMS2 protein (p.Ala390Gly). The alanine residue is weakly conserved and there is a small physicochemical difference between alanine and glycine. In summary, the available evidence is currently insufficient to determine the role of this variant in disease. Therefore, it has been classified as a Variant of Uncertain Significance. Advanced modeling of protein sequence and biophysical properties (such as structural, functional, and spatial information, amino acid conservation, physicochemical variation, residue mobility, and thermodynamic stability) performed at Invitae indicates that this missense variant is not expected to disrupt PMS2 protein function. This variant has not been reported in the literature in individuals with PMS2-related conditions. This variant is not present in population databases (ExAC no frequency).